The following is an entry in ClinVar:

ClinVar aggregate classification (germline): Benign/Likely benign. Review status: criteria provided, multiple submitters, no conflicts (2 of 4 stars). 7 submissions from 7 submitters: Benign (3); Likely benign (3). 1 of the submissions does not count toward it. Last evaluated 2026-01-05.

Conditions:
CHRNA4-related disorder. Also called: CHRNA4-related condition.
Familial sleep-related hypermotor epilepsy. Also called: Autosomal Dominant Sleep-Related Hypermotor (Hyperkinetic) Epilepsy. Identifiers: Orphanet 98784, MedGen C3696898, MONDO:0000030.
Inborn genetic diseases. Identifiers: MedGen C0950123, MeSH D030342.

Allele frequency attached by ClinVar (database versions not stated): gnomAD exomes 0.00005 and 0.00014; ExAC 0.00014; 1000 Genomes Project 0.00040; gnomAD 0.00050 and 0.00055; TOPMed 0.00050; ESP Exome Variant Server 0.00054; 1000 Genomes Project 30x 0.00062.
gnomAD v4.1: 155 of 1,614,024 alleles (0.0096%); highest among the groups gnomAD compares: African/African-American, 0.15%; 1 homozygote.

Submissions (7):

Labcorp Genetics (formerly Invitae), Labcorp
Classification: Benign. Last evaluated: 2026-01-05. Review status: criteria provided, single submitter. Criteria: Invitae Variant Classification Sherloc (09022015). Collection method: clinical testing. Allele origin: germline.

ARUP Laboratories, Molecular Genetics and Genomics, ARUP Laboratories
Classification: Benign. Last evaluated: 2025-03-13. Review status: criteria provided, single submitter. Criteria: ARUP Molecular Germline Variant Investigation Process 2024. Collection method: clinical testing. Allele origin: germline.

Blueprint Genetics
Classification: Likely benign. Last evaluated: 2024-11-26. Review status: criteria provided, single submitter. Criteria: ACMG Guidelines, 2015. Collection method: clinical testing. Allele origin: germline.

GeneDx
Classification: Likely benign. Last evaluated: 2021-03-18. Review status: criteria provided, single submitter. Criteria: GeneDx Variant Classification Process June 2021. Collection method: clinical testing. Allele origin: germline. Affected: yes.

Ambry Genetics
Classification: Likely benign for Inborn genetic diseases. Last evaluated: 2019-01-08. Review status: criteria provided, single submitter. Criteria: Ambry Variant Classification Scheme 2023. Collection method: clinical testing. Allele origin: germline.

Athena Diagnostics
Classification: Benign. Last evaluated: 2016-11-21. Review status: criteria provided, single submitter. Criteria: Athena Diagnostics Criteria. Collection method: clinical testing. Allele origin: germline.

PreventionGenetics, part of Exact Sciences
Classification: Likely benign for CHRNA4-related condition. Last evaluated: 2019-03-26. Review status: no assertion criteria provided. Collection method: clinical testing. Allele origin: germline. Not counted in ClinVar's aggregate classification.
Comment: This variant is classified as likely benign based on ACMG/AMP sequence variant interpretation guidelines (Richards et al. 2015 PMID: 25741868, with internal and published modifications).

NM_000744.7(CHRNA4):c.876C>T (p.Ile292=)

Gene: CHRNA4 (cholinergic receptor nicotinic alpha 4 subunit; minus strand). Cytogenetic location: 20q13.33.
Variant type: single nucleotide variant.
Coding change: c.876C>T on transcript NM_000744.7 (MANE Select); coding-DNA position 876, C replaced by T.
Protein change: p.Ile292=; no amino-acid change (isoleucine 292 retained).
Molecular consequence: synonymous variant. On other transcripts: non-coding transcript variant (1).
Genome position (GRCh38, 1-based): chr20:63,350,535, G>A on the plus strand (C>T on the coding strand, the complement: CHRNA4 is on the minus strand). VCF-style: chr20-63350535-G-A. GRCh37 (hg19) VCF-style: chr20-61981887-G-A.
Other names: c.348C>T, p.Ile116= (NM_001256573.2).
Identifiers: ClinVar variation 238182 (VCV000238182.19), dbSNP rs139694653, ClinGen allele CA9957712.
Genomic context (GRCh38, chr20:63,350,535, plus strand): 5'-GAACAGCAGGTACTCGCCGATGAGTGGGATGACCAGTGAGGTGGACGGGATGATCTCGGT[G>A]ATGAGCAGCAGGAAGACGGTGAGCGACAGCAGCACGGAGATGCACAGCGTGATCTTCTCG-3'
Protein context (NP_000735.1, residues 282-302): LLSLTVFLLL[Ile292=]TEIIPSTSLV